The following is an entry in ClinVar:

NM_001389556.1(UBXN11):c.449A>G (p.Tyr150Cys)

Gene: UBXN11 (UBX domain protein 11; minus strand). Cytogenetic location: 1p36.11.
Variant type: single nucleotide variant.
Coding change: c.449A>G on transcript NM_001389556.1 (MANE Select); coding-DNA position 449, A replaced by G.
Protein change: p.Tyr150Cys; replaces tyrosine 150 with cysteine.
Molecular consequence: missense variant. On other transcripts: intron variant (1).
Genome position (GRCh38, 1-based): chr1:26,294,315, T>C on the plus strand (A>G on the coding strand, the complement: UBXN11 is on the minus strand). VCF-style: chr1-26294315-T-C. GRCh37 (hg19) VCF-style: chr1-26620806-T-C.
Other names: c.350A>G, p.Tyr117Cys (NM_001389559.1, NM_145345.3); c.449A>G, p.Tyr150Cys (NM_183008.3); c.199+6611A>G (NM_001077262.2); short protein forms Y117C, Y150C.
Identifiers: ClinVar variation 3904819 (VCV003904819.10).

ClinVar aggregate classification (germline): Likely benign (1 of 4 stars; one submission).

gnomAD v4.1: 12,988 of 1,613,456 alleles (0.8%); highest among the groups gnomAD compares: Admixed American, 0.95%; 64 homozygotes.

Submission:

CeGaT Center for Human Genetics Tuebingen
Classification: Likely benign. Last evaluated: 2025-06-01. Review status: criteria provided, single submitter. Criteria: CeGaT Center For Human Genetics Tuebingen Variant Classification Criteria Version 2. Collection method: clinical testing. Allele origin: germline. Affected: yes. Observed: 1 variant allele.
Comment: UBXN11: BP4, BS2